The following is an entry in ClinVar:

ClinVar aggregate classification (germline): Likely pathogenic (1 of 4 stars; one submission).

Conditions:
Peroxisome biogenesis disorder 4A (Zellweger) (PBD4A). Also called: Zellweger syndrome spectrum (PEX6-related). Identifiers: Orphanet 912, MedGen C3553936, MONDO:0013930, OMIM 614862. Disease mechanism: loss of function.

Submission:

Myriad Genetics, Inc.
Classification: Likely pathogenic for Peroxisome biogenesis disorder 4A (Zellweger). Last evaluated: 2022-03-02. Review status: criteria provided, single submitter. Criteria: Myriad Women's Health Autosomal Recessive and X-Linked Classification Criteria (2021). Collection method: clinical testing. Allele origin: unknown.
Comment: NM_000287.3(PEX6):c.2313_2315del3ins11(E772Afs*53) is expected to be pathogenic in the context of peroxisome biogenesis disorder type 4. This variant is predicted to lead to an abnormal or absent protein product due to the creation of a premature termination codon in PEX6, a gene where loss-of-function variants are known to be pathogenic. Please note: this variant was assessed in the context of healthy population screening.

NM_000287.4(PEX6):c.2313_2315delinsTGCCCCTCCCT (p.Glu772fs)

Gene: PEX6 (peroxisomal biogenesis factor 6; minus strand). Cytogenetic location: 6p21.1.
Variant type: Indel.
Coding change: c.2313_2315delinsTGCCCCTCCCT on transcript NM_000287.4 (MANE Select); coding-DNA positions 2313 to 2315, AGA replaced by TGCCCCTCCCT.
Protein change: p.Glu772fs; shifts the reading frame from glutamic acid 772.
Molecular consequence: frameshift variant.
Genome position (GRCh38, 1-based): chr6:42,966,091-42,966,093, TCT replaced by AGGGAGGGGCA on the plus strand (AGA replaced by TGCCCCTCCCT on the coding strand, the reverse complement: PEX6 is on the minus strand). VCF-style: chr6-42966091-TCT-AGGGAGGGGCA. GRCh37 (hg19) VCF-style: chr6-42933829-TCT-AGGGAGGGGCA.
Other names: c.2049_2051delinsTGCCCCTCCCT, p.Glu684fs (NM_001316313.2); short protein forms E684fs, E772fs.
Identifiers: ClinVar variation 1724922 (VCV001724922.2), dbSNP rs2481205819, ClinGen allele CA2580074606.
Genomic context (GRCh38, chr6:42,966,091, plus strand): 5'-CCTGCTCACTCACCTTCCCGCACATTCTCCTCACTTTGGCCCACATACATGTTAATGAGC[TCT>AGGGAGGGGCA]GGCCCCTTCACGCTGAGTGAGAGGATGTGAGAAGGTGAGAGCCGTCAGATGCACATACAC-3'